The following is an entry in ClinVar:

NM_000310.3(PPT1):c.-83A>G

Gene: PPT1 (palmitoyl-protein thioesterase 1; minus strand). Cytogenetic location: 1p34.2.
Variant type: single nucleotide variant.
Coding change: c.-83A>G on transcript NM_000310.3; 83 bases upstream of the start codon, A replaced by G.
Genome position (GRCh38, 1-based): chr1:40,097,321, T>C on the plus strand (A>G on the coding strand, the complement: PPT1 is on the minus strand). VCF-style: chr1-40097321-T-C. GRCh37 (hg19) VCF-style: chr1-40562993-T-C.
Identifiers: ClinVar variation 297250 (VCV000297250.15), dbSNP rs6600313, ClinGen allele CA10610139.

ClinVar aggregate classification (germline): Benign. Review status: criteria provided, multiple submitters, no conflicts (2 of 4 stars). 5 submissions from 5 submitters: Benign (5). Last evaluated 2024-07-15.

Conditions:
Neuronal ceroid lipofuscinosis 1 (CLN1). Also called: PPT1-Related Neuronal Ceroid-Lipofuscinosis; CEROID LIPOFUSCINOSIS, NEURONAL, 1, VARIABLE AGE AT ONSET. Identifiers: Orphanet 228329, MedGen C1850451, MONDO:0009744, OMIM 256730.

Allele frequency attached by ClinVar (database versions not stated): 1000 Genomes Project 30x 0.82605; gnomAD exomes 0.88436; gnomAD 0.84387 and 0.84142; 1000 Genomes Project 0.83267; TOPMed 0.83710.

Submissions (5):

Unidad de Genómica Garrahan, Hospital de Pediatría Garrahan
Classification: Benign. Last evaluated: 2024-07-15. Review status: criteria provided, single submitter. Criteria: ACMG Guidelines, 2015. Collection method: clinical testing. Allele origin: germline. Affected: no. Observed: 20 variant alleles.
Comment: This variant is classified as Benign based on local population frequency. This variant was detected in 22% of patients studied in a panel designed for Epileptic and Developmental Encephalopathy and Progressive Myoclonus Epilepsy. Number of patients: 20. Only high quality variants are reported.

Genome-Nilou Lab
Classification: Benign for Neuronal ceroid lipofuscinosis 1. Last evaluated: 2021-07-08. Review status: criteria provided, single submitter. Criteria: ACMG Guidelines, 2015. Collection method: clinical testing. Allele origin: germline. Affected: no.

GeneDx
Classification: Benign. Last evaluated: 2018-06-25. Review status: criteria provided, single submitter. Criteria: GeneDx Variant Classification Process June 2021. Collection method: clinical testing. Allele origin: germline. Affected: yes.

Illumina Laboratory Services, Illumina
Classification: Benign for Neuronal ceroid lipofuscinosis 1. Last evaluated: 2018-01-12. Review status: criteria provided, single submitter. Criteria: ICSL Variant Classification Criteria 13 December 2019. Collection method: clinical testing. Allele origin: germline.
Comment: This variant was observed in the ICSL laboratory as part of a predisposition screen in an ostensibly healthy population. It had not been previously curated by ICSL or reported in the Human Gene Mutation Database (HGMD: prior to June 1st, 2018), and was therefore a candidate for classification through an automated scoring system. Utilizing variant allele frequency, disease prevalence and penetrance estimates, and inheritance mode, an automated score was calculated to assess if this variant is too frequent to cause the disease. Based on the score and internal cut-off values, a variant classified as benign is not then subjected to further curation. The score for this variant resulted in a classification of benign for this disease.

Breakthrough Genomics
Classification: Benign. Review status: criteria provided, single submitter. Criteria: ACMG Guidelines, 2015. Collection method: not provided. Allele origin: germline. Inheritance: Autosomal recessive inheritance. Affected: yes.